The following is an entry in ClinVar:

NM_002497.4(NEK2):c.1143G>C (p.Lys381Asn)

Gene: NEK2 (NIMA related kinase 2; minus strand). Cytogenetic location: 1q32.3.
Variant type: single nucleotide variant.
Coding change: c.1143G>C on transcript NM_002497.4 (MANE Select); coding-DNA position 1143, G replaced by C.
Protein change: p.Lys381Asn; replaces lysine 381 with asparagine.
Molecular consequence: missense variant. On other transcripts: intron variant (1).
Genome position (GRCh38, 1-based): chr1:211,663,621, C>G on the plus strand (G>C on the coding strand, the complement: NEK2 is on the minus strand). VCF-style: chr1-211663621-C-G. GRCh37 (hg19) VCF-style: chr1-211836963-C-G.
Other names: c.1111+3485G>C (NM_001204182.2); short protein forms K381N.
Identifiers: ClinVar variation 1380996 (VCV001380996.8), dbSNP rs753898563, ClinGen allele CA1381488.

ClinVar aggregate classification (germline): Uncertain significance (1 of 4 stars; one submission).

Allele frequency attached by ClinVar (database versions not stated): gnomAD 0.00001; gnomAD exomes 0.00001; TOPMed 0.00001; ExAC 0.00002.
gnomAD v4.1: 22 of 1,613,594 alleles (0.0014%); highest among the groups gnomAD compares: Middle Eastern, 0.017%; no homozygotes.

Submission:

Labcorp Genetics (formerly Invitae), Labcorp
Classification: Uncertain significance. Last evaluated: 2025-10-14. Review status: criteria provided, single submitter. Criteria: Invitae Variant Classification Sherloc (09022015). Collection method: clinical testing. Allele origin: germline.
Comment: This sequence change replaces lysine, which is basic and polar, with asparagine, which is neutral and polar, at codon 381 of the NEK2 protein (p.Lys381Asn). This variant is present in population databases (rs753898563, gnomAD 0.003%). This variant has not been reported in the literature in individuals affected with NEK2-related conditions. ClinVar contains an entry for this variant (Variation ID: 1380996). An algorithm developed to predict the effect of missense changes on protein structure and function (PolyPhen-2) suggests that this variant is likely to be tolerated. Algorithms developed to predict the effect of sequence changes on RNA splicing suggest that this variant may disrupt the consensus splice site. In summary, the available evidence is currently insufficient to determine the role of this variant in disease. Therefore, it has been classified as a Variant of Uncertain Significance.